The following is an entry in ClinVar:

ClinVar aggregate classification (germline): Uncertain significance (1 of 4 stars; one submission).

gnomAD v4.1: 1 of 1,555,156 alleles (0.000064%); highest among the groups gnomAD compares: Non-Finnish European, 0.000087%; no homozygotes.

Submission:

CeGaT Center for Human Genetics Tuebingen
Classification: Uncertain significance. Last evaluated: 2025-07-01. Review status: criteria provided, single submitter. Criteria: CeGaT Center For Human Genetics Tuebingen Variant Classification Criteria Version 2. Collection method: clinical testing. Allele origin: germline. Affected: yes. Observed: 1 variant allele.
Comment: SEPSECS: PM2

NM_016955.4(SEPSECS):c.83A>C (p.His28Pro)

Genes: SEPSECS (Sep (O-phosphoserine) tRNA:Sec (selenocysteine) tRNA synthase; minus strand), LOC129992330 (ATAC-STARR-seq lymphoblastoid silent region 15319; plus strand). Cytogenetic location: 4p15.2.
Variant type: single nucleotide variant.
Coding change: c.83A>C on transcript NM_016955.4 (MANE Select); coding-DNA position 83, A replaced by C.
Protein change: p.His28Pro; replaces histidine 28 with proline.
Molecular consequence: missense variant.
Genome position (GRCh38, 1-based): chr4:25,160,287, T>G on the plus strand (A>C on the coding strand, the complement: SEPSECS is on the minus strand). VCF-style: chr4-25160287-T-G. GRCh37 (hg19) VCF-style: chr4-25161909-T-G.
Other names: c.83A>C, p.His28Pro (NM_001410714.1); short protein forms H28P.
Identifiers: ClinVar variation 4084439 (VCV004084439.8).